The following is an entry in ClinVar:

NM_001365536.1(SCN9A):c.280G>A (p.Gly94Arg)

Gene: SCN9A (sodium voltage-gated channel alpha subunit 9; minus strand). Cytogenetic location: 2q24.3.
Variant type: single nucleotide variant.
Coding change: c.280G>A on transcript NM_001365536.1 (MANE Select); coding-DNA position 280, G replaced by A.
Protein change: p.Gly94Arg; replaces glycine 94 with arginine.
Molecular consequence: missense variant.
Genome position (GRCh38, 1-based): chr2:166,307,053, C>T on the plus strand (G>A on the coding strand, the complement: SCN9A is on the minus strand). VCF-style: chr2-166307053-C-T. GRCh37 (hg19) VCF-style: chr2-167163563-C-T.
Other names: c.280G>A, p.Gly94Arg (NM_002977.4); short protein forms G94R.
Identifiers: ClinVar variation 2935759 (VCV002935759.3), dbSNP rs1698784697, ClinGen allele CA349095707.
Genomic context (GRCh38, chr2:166,307,053, plus strand): 5'-GACTGAAAGGAGAAAGCATATATAAAGCAGGTGTGGCATTGAAACGGAAGATTGTTTTCC[C>T]TTTGTTCAATACTATGAAAGTCTGCAGGAGGAAAAAGAAAGGATGAAATTGAGAATCCAA-3'
Protein context (NP_001352465.1, residues 84-104): DKKTFIVLNK[Gly94Arg]KTIFRFNATP

ClinVar aggregate classification (germline): Uncertain significance (1 of 4 stars; one submission).

Conditions:
Neuropathy, hereditary sensory and autonomic, type 2A (HSAN2A). Also called: MORVAN DISEASE; NEUROPATHY, CONGENITAL SENSORY; NEUROPATHY, HEREDITARY SENSORY RADICULAR, AUTOSOMAL RECESSIVE; NEUROPATHY, HEREDITARY SENSORY, TYPE IIA; NEUROPATHY, PROGRESSIVE SENSORY, OF CHILDREN; ACROOSTEOLYSIS, GIACCAI TYPE. Identifiers: Orphanet 970, MedGen C2752089, MONDO:0024309, OMIM 201300.
Generalized epilepsy with febrile seizures plus, type 7 (GEFSP7). Also called: GEFS+, TYPE 7. Identifiers: Orphanet 36387, MedGen C2751778, MONDO:0013470, OMIM 613863.

Allele frequency attached by ClinVar (database versions not stated): gnomAD exomes below 0.00001.
gnomAD v4.1: 3 of 1,607,030 alleles (0.00019%); highest among the groups gnomAD compares: African/African-American, 0.0027%; no homozygotes.

Submission:

Labcorp Genetics (formerly Invitae), Labcorp
Classification: Uncertain significance for Neuropathy, hereditary sensory and autonomic, type 2A; Generalized epilepsy with febrile seizures plus, type 7. Last evaluated: 2023-08-23. Review status: criteria provided, single submitter. Criteria: Invitae Variant Classification Sherloc (09022015). Collection method: clinical testing. Allele origin: germline.
Comment: In summary, the available evidence is currently insufficient to determine the role of this variant in disease. Therefore, it has been classified as a Variant of Uncertain Significance. Advanced modeling of protein sequence and biophysical properties (such as structural, functional, and spatial information, amino acid conservation, physicochemical variation, residue mobility, and thermodynamic stability) performed at Invitae indicates that this missense variant is not expected to disrupt SCN9A protein function. This variant has not been reported in the literature in individuals affected with SCN9A-related conditions. This variant is not present in population databases (gnomAD no frequency). This sequence change replaces glycine, which is neutral and non-polar, with arginine, which is basic and polar, at codon 94 of the SCN9A protein (p.Gly94Arg).